The following is an entry in ClinVar:

ClinVar aggregate classification (germline): Benign. Review status: criteria provided, multiple submitters, no conflicts (2 of 4 stars). 7 submissions from 7 submitters: Benign (6). 1 of the submissions does not count toward it. Last evaluated 2026-01-31.

Conditions:
Familial isolated deficiency of vitamin E (AVED). Also called: Ataxia with isolated vitamin E deficiency; ATAXIA, FRIEDREICH-LIKE, WITH SELECTIVE VITAMIN E DEFICIENCY. Identifiers: Orphanet 96, MedGen C1848533, MONDO:0010188, OMIM 277460.

Allele frequency attached by ClinVar (database versions not stated): gnomAD exomes 0.00172; ExAC 0.00610; ESP Exome Variant Server 0.00646; 1000 Genomes Project 0.01757; TOPMed 0.01861; 1000 Genomes Project 30x 0.02186.
gnomAD v4.1: 4,505 of 1,488,570 alleles (0.3%); highest among the groups gnomAD compares: African/African-American, 5.9%; 142 homozygotes.

Submissions (7):

Labcorp Genetics (formerly Invitae), Labcorp
Classification: Benign. Last evaluated: 2026-01-31. Review status: criteria provided, single submitter. Criteria: Invitae Variant Classification Sherloc (09022015). Collection method: clinical testing. Allele origin: germline.

Mayo Clinic Laboratories, Mayo Clinic
Classification: Benign. Last evaluated: 2022-03-23. Review status: criteria provided, single submitter. Criteria: ACMG Guidelines, 2015. Collection method: clinical testing. Allele origin: germline. Observed: 11 variant alleles.

GeneDx
Classification: Benign. Last evaluated: 2021-05-05. Review status: criteria provided, single submitter. Criteria: GeneDx Variant Classification Process June 2021. Collection method: clinical testing. Allele origin: germline. Affected: yes.

Illumina Laboratory Services, Illumina
Classification: Benign for Familial isolated deficiency of vitamin E. Last evaluated: 2018-01-13. Review status: criteria provided, single submitter. Criteria: ICSL Variant Classification Criteria 13 December 2019. Collection method: clinical testing. Allele origin: germline.
Comment: This variant was observed in the ICSL laboratory as part of a predisposition screen in an ostensibly healthy population. It had not been previously curated by ICSL or reported in the Human Gene Mutation Database (HGMD: prior to June 1st, 2018), and was therefore a candidate for classification through an automated scoring system. Utilizing variant allele frequency, disease prevalence and penetrance estimates, and inheritance mode, an automated score was calculated to assess if this variant is too frequent to cause the disease. Based on the score and internal cut-off values, a variant classified as benign is not then subjected to further curation. The score for this variant resulted in a classification of benign for this disease.

Eurofins Ntd Llc (ga)
Classification: Benign. Last evaluated: 2016-08-17. Review status: criteria provided, single submitter. Criteria: EGL Classification Definitions 2015. Collection method: clinical testing. Allele origin: germline. Observed: 1 variant allele, 1 heterozygote.

Breakthrough Genomics
Classification: Benign. Review status: criteria provided, single submitter. Criteria: ACMG Guidelines, 2015. Collection method: not provided. Allele origin: germline. Inheritance: Autosomal recessive inheritance. Affected: yes.

Natera, Inc.
Classification: Benign for Ataxia with isolated vitamin E deficiency. Last evaluated: 2020-09-16. Review status: no assertion criteria provided. Collection method: clinical testing. Allele origin: germline. Not counted in ClinVar's aggregate classification.

NM_000370.3(TTPA):c.24C>G (p.Pro8=)

Gene: TTPA (alpha tocopherol transfer protein; minus strand). Cytogenetic location: 8q12.3.
Variant type: single nucleotide variant.
Coding change: c.24C>G on transcript NM_000370.3 (MANE Select); coding-DNA position 24, C replaced by G.
Protein change: p.Pro8=; no amino-acid change (proline 8 retained).
Molecular consequence: synonymous variant.
Genome position (GRCh38, 1-based): chr8:63,085,998, G>C on the plus strand (C>G on the coding strand, the complement: TTPA is on the minus strand). VCF-style: chr8-63085998-G-C. GRCh37 (hg19) VCF-style: chr8-63998557-G-C.
Other names: p.Pro8=.
Identifiers: ClinVar variation 289494 (VCV000289494.23), dbSNP rs140010311, ClinGen allele CA4763330.